The following is an entry in ClinVar:

NM_000330.4(RS1):c.508A>C (p.Thr170Pro)

Genes: CDKL5 (cyclin dependent kinase like 5; plus strand), RS1 (retinoschisin 1; minus strand). Cytogenetic location: Xp22.13.
Variant type: single nucleotide variant.
Coding change: c.508A>C on transcript NM_000330.4 (MANE Select); coding-DNA position 508, A replaced by C.
Protein change: p.Thr170Pro; replaces threonine 170 with proline.
Molecular consequence: missense variant. On other transcripts: intron variant (2).
Genome position (GRCh38, 1-based): chrX:18,644,444, T>G on the plus strand (A>C on the coding strand, the complement: RS1 is on the minus strand). VCF-style: chrX-18644444-T-G. GRCh37 (hg19) VCF-style: chrX-18662564-T-G.
Other names: c.2714-1563T>G (NM_003159.3, NM_001037343.2); short protein forms T170P.
Identifiers: ClinVar variation 1373643 (VCV001373643.8), dbSNP rs2147191116, ClinGen allele CA412371257.

ClinVar aggregate classification (germline): Likely pathogenic (1 of 4 stars; one submission).

Submission:

Labcorp Genetics (formerly Invitae), Labcorp
Classification: Likely pathogenic. Last evaluated: 2024-02-23. Review status: criteria provided, single submitter. Criteria: Invitae Variant Classification Sherloc (09022015). Collection method: clinical testing. Allele origin: germline.
Comment: This sequence change replaces threonine, which is neutral and polar, with proline, which is neutral and non-polar, at codon 170 of the RS1 protein (p.Thr170Pro). This variant is not present in population databases (gnomAD no frequency). This missense change has been observed in individual(s) with retinoschisis (PMID: 28348004). ClinVar contains an entry for this variant (Variation ID: 1373643). Advanced modeling of protein sequence and biophysical properties (such as structural, functional, and spatial information, amino acid conservation, physicochemical variation, residue mobility, and thermodynamic stability) performed at Invitae indicates that this missense variant is expected to disrupt RS1 protein function with a positive predictive value of 95%. In summary, the currently available evidence indicates that the variant is pathogenic, but additional data are needed to prove that conclusively. Therefore, this variant has been classified as Likely Pathogenic.

Literature cited by the submitters: PubMed 28348004.